The following is an entry in ClinVar:

NM_001198800.3(ASCC1):c.311-2A>G

Gene: ASCC1 (activating signal cointegrator 1 complex subunit 1; minus strand). Cytogenetic location: 10q22.1.
Variant type: single nucleotide variant.
Coding change: c.311-2A>G on transcript NM_001198800.3 (MANE Select); the canonical splice acceptor site of the intron before coding-DNA position 311, A replaced by G.
Molecular consequence: splice acceptor variant.
Genome position (GRCh38, 1-based): chr10:72,196,991, T>C on the plus strand (A>G on the coding strand, the complement: ASCC1 is on the minus strand). VCF-style: chr10-72196991-T-C. GRCh37 (hg19) VCF-style: chr10-73956749-T-C.
Other names: NC_000010.10:g.73956749T>C; c.377-2A>G (NM_001369099.1, NM_001369086.1, NM_001369085.1); c.311-2A>G (NM_001369112.1, NM_001369108.1, NM_001369103.1 and 18 more transcripts); c.395-2A>G (NM_001198799.3); c.194-2A>G (NM_001369105.1, NM_001369102.1, NM_001369106.1 and 2 more transcripts).
Identifiers: ClinVar variation 985781 (VCV000985781.5), dbSNP rs1281256224, ClinGen allele CA377161854.
Genomic context (GRCh38, chr10:72,196,991, plus strand): 5'-AAGAACATCAATCCGTGTTCGGGCTGAAATTACACCATTTCGATGCTGGCCAGTGATTAC[T>C]GTAAACAAAGAAGAAAGGGTAAACTGCTCAAGGACCCCCAAATGCTTATAAAACAGGACC-3'

ClinVar aggregate classification (germline): Pathogenic. Review status: criteria provided, multiple submitters, no conflicts (2 of 4 stars). 2 submissions from 2 submitters: Pathogenic (2). Last evaluated 2021-08-10.

Conditions:
Spinal muscular atrophy with congenital bone fractures 2 (SMABF2). Identifiers: MedGen C4225176, MONDO:0014807, OMIM 616867.
Inborn genetic diseases. Identifiers: MedGen C0950123, MeSH D030342.

Allele frequency attached by ClinVar (database versions not stated): gnomAD exomes 0.00001; gnomAD 0.00001.
gnomAD v4.1: 26 of 1,613,500 alleles (0.0016%); highest among the groups gnomAD compares: Non-Finnish European, 0.0021%; no homozygotes.

Submissions (3):

Laboratory of Functional Genomics, Research Centre for Medical Genetics
Classification: Pathogenic for Spinal muscular atrophy with congenital bone fractures 2. Last evaluated: 2021-08-10. Review status: criteria provided, single submitter. Criteria: ACMG Guidelines, 2015. Collection method: clinical testing. Allele origin: paternal. Inheritance: Autosomal recessive inheritance. Affected: yes. Observed: 1 variant allele, 1 compound heterozygote.
Comment: The c.311-2A>G variant meets ACMG criteria to be classified as pathogenic variant (PM2, PVS1, PS3). This variant is absent from large population studies. In vitro functional study indicates that the c.311-2A>G variant impair ASCC1 protein function.

Ambry Genetics
Classification: Pathogenic for Inborn genetic diseases. Last evaluated: 2018-12-05. Review status: criteria provided, single submitter. Criteria: Ambry exome assertion method (8-5-2015). Collection method: clinical testing. Allele origin: germline. Affected: yes. Observed: 1 variant allele.

Dr. Peter K. Rogan Lab, Western University
No classification provided (evidence only). Condition: Squamous cell lung carcinoma. Review status: no classification provided. Collection method: in vitro. Allele origin: not applicable. Functional consequence: retained intron. Not counted in ClinVar's aggregate classification.